The following is an entry in ClinVar:

NM_006180.6(NTRK2):c.2296G>A (p.Gly766Ser)

Gene: NTRK2 (neurotrophic receptor tyrosine kinase 2; plus strand). Cytogenetic location: 9q21.33.
Variant type: single nucleotide variant.
Coding change: c.2296G>A on transcript NM_006180.6 (MANE Select); coding-DNA position 2296, G replaced by A.
Protein change: p.Gly766Ser; replaces glycine 766 with serine.
Molecular consequence: missense variant.
Genome position (GRCh38, 1-based): chr9:85,020,329, G>A. VCF-style: chr9-85020329-G-A. GRCh37 (hg19) VCF-style: chr9-87635244-G-A.
Other names: c.2248G>A, p.Gly750Ser (NM_001018064.3, NM_001369532.1, NM_001369533.1); c.2212G>A, p.Gly738Ser (NM_001369534.1); c.1780G>A, p.Gly594Ser (NM_001369535.1); c.1828G>A, p.Gly610Ser (NM_001369536.1); short protein forms G594S, G610S, G738S, G750S, G766S.
Identifiers: ClinVar variation 3347174 (VCV003347174.1).
Genomic context (GRCh38, chr9:85,020,329, plus strand): 5'-TTCACGACGGAAAGCGACGTCTGGAGCCTGGGGGTCGTGTTGTGGGAGATTTTCACCTAT[G>A]GCAAACAGCCCTGGTACCAGCTGTCAAACAATGAGGTGTGCAATGGGTCTGGCCAAGACC-3'
Protein context (NP_006171.2, residues 756-776): GVVLWEIFTY[Gly766Ser]KQPWYQLSNN

ClinVar aggregate classification (germline): Uncertain significance (0 of 4 stars; one submission).

Conditions:
NTRK2-related disorder. Also called: NTRK2-related condition.

Submission:

PreventionGenetics, part of Exact Sciences
Classification: Uncertain significance for NTRK2-related condition. Last evaluated: 2024-06-07. Review status: no assertion criteria provided. Collection method: clinical testing. Allele origin: germline.
Comment: The NTRK2 c.2296G>A variant is predicted to result in the amino acid substitution p.Gly766Ser. To our knowledge, this variant has not been reported in the literature or in a large population database, indicating this variant is rare. At this time, the clinical significance of this variant is uncertain due to the absence of conclusive functional and genetic evidence.